The following is an entry in ClinVar:

NM_004260.4(RECQL4):c.818C>T (p.Ala273Val)

Gene: RECQL4 (RecQ like helicase 4; minus strand). Cytogenetic location: 8q24.3.
Variant type: single nucleotide variant.
Coding change: c.818C>T on transcript NM_004260.4 (MANE Select); coding-DNA position 818, C replaced by T.
Protein change: p.Ala273Val; replaces alanine 273 with valine.
Molecular consequence: missense variant.
Genome position (GRCh38, 1-based): chr8:144,516,301, G>A on the plus strand (C>T on the coding strand, the complement: RECQL4 is on the minus strand). VCF-style: chr8-144516301-G-A. GRCh37 (hg19) VCF-style: chr8-145741685-G-A.
Other names: short protein forms A273V.
Identifiers: ClinVar variation 963455 (VCV000963455.8), dbSNP rs1349749745, ClinGen allele CA372689094.

ClinVar aggregate classification (germline): Uncertain significance. Review status: criteria provided, multiple submitters, no conflicts (2 of 4 stars). 2 submissions from 2 submitters: Uncertain significance (2). Last evaluated 2025-06-21.

Conditions:
Inborn genetic diseases. Identifiers: MedGen C0950123, MeSH D030342.
Baller-Gerold syndrome (BGS). Also called: CRANIOSYNOSTOSIS WITH RADIAL DEFECTS. Identifiers: Orphanet 1225, MedGen C0265308, MONDO:0009039, OMIM 218600.

Allele frequency attached by ClinVar (database versions not stated): gnomAD exomes below 0.00001.
gnomAD v4.1: 1 of 1,610,390 alleles (0.000062%); highest among the groups gnomAD compares: Non-Finnish European, 0.000085%; no homozygotes.

Submissions (2):

Ambry Genetics
Classification: Uncertain significance for Inborn genetic diseases. Last evaluated: 2025-06-21. Review status: criteria provided, single submitter. Criteria: Ambry Variant Classification Scheme 2023. Collection method: clinical testing. Allele origin: germline.
Comment: The p.A273V variant (also known as c.818C>T), located in coding exon 5 of the RECQL4 gene, results from a C to T substitution at nucleotide position 818. The alanine at codon 273 is replaced by valine, an amino acid with similar properties. This amino acid position is conserved. In addition, this alteration is predicted to be tolerated by in silico analysis. Based on the available evidence, the clinical significance of this variant remains unclear.

Labcorp Genetics (formerly Invitae), Labcorp
Classification: Uncertain significance for Baller-Gerold syndrome. Last evaluated: 2019-07-04. Review status: criteria provided, single submitter. Criteria: Invitae Variant Classification Sherloc (09022015). Collection method: clinical testing. Allele origin: germline.
Comment: This sequence change replaces alanine with valine at codon 273 of the RECQL4 protein (p.Ala273Val). The alanine residue is moderately conserved and there is a small physicochemical difference between alanine and valine. This variant is not present in population databases (ExAC no frequency). This variant has not been reported in the literature in individuals with RECQL4-related conditions. Algorithms developed to predict the effect of missense changes on protein structure and function (SIFT, PolyPhen-2, Align-GVGD) all suggest that this variant is likely to be tolerated, but these predictions have not been confirmed by published functional studies and their clinical significance is uncertain. In summary, the available evidence is currently insufficient to determine the role of this variant in disease. Therefore, it has been classified as a Variant of Uncertain Significance.